The following is an entry in ClinVar:

ClinVar aggregate classification (germline): Uncertain significance (1 of 4 stars; one submission).

Allele frequency attached by ClinVar (database versions not stated): gnomAD exomes below 0.00001.
gnomAD v4.1: 4 of 1,614,158 alleles (0.00025%); highest among the groups gnomAD compares: Non-Finnish European, 0.00034%; no homozygotes.

Submission:

Labcorp Genetics (formerly Invitae), Labcorp
Classification: Uncertain significance. Last evaluated: 2022-03-10. Review status: criteria provided, single submitter. Criteria: Invitae Variant Classification Sherloc (09022015). Collection method: clinical testing. Allele origin: germline.
Comment: This sequence change replaces threonine, which is neutral and polar, with isoleucine, which is neutral and non-polar, at codon 542 of the PRPF6 protein (p.Thr542Ile). This variant is not present in population databases (gnomAD no frequency). This variant has not been reported in the literature in individuals affected with PRPF6-related conditions. Algorithms developed to predict the effect of missense changes on protein structure and function are either unavailable or do not agree on the potential impact of this missense change (SIFT: "Deleterious"; PolyPhen-2: "Benign"; Align-GVGD: "Class C15"). In summary, the available evidence is currently insufficient to determine the role of this variant in disease. Therefore, it has been classified as a Variant of Uncertain Significance.

NM_012469.4(PRPF6):c.1625C>T (p.Thr542Ile)

Genes: PRPF6 (pre-mRNA processing factor 6; plus strand), LOC126863090 (P300/CBP strongly-dependent group 1 enhancer GRCh37_chr20:62648052-62649251; plus strand). Cytogenetic location: 20q13.33.
Variant type: single nucleotide variant.
Coding change: c.1625C>T on transcript NM_012469.4 (MANE Select); coding-DNA position 1625, C replaced by T.
Protein change: p.Thr542Ile; replaces threonine 542 with isoleucine.
Molecular consequence: missense variant.
Genome position (GRCh38, 1-based): chr20:64,016,823, C>T. VCF-style: chr20-64016823-C-T. GRCh37 (hg19) VCF-style: chr20-62648176-C-T.
Other names: short protein forms T542I.
Identifiers: ClinVar variation 1446148 (VCV001446148.8), dbSNP rs1569221322, ClinGen allele CA409729993.